The following is an entry in ClinVar:

NM_002474.3(MYH11):c.369G>A (p.Val123=)

Gene: MYH11 (myosin heavy chain 11; minus strand). Cytogenetic location: 16p13.11.
Variant type: single nucleotide variant.
Coding change: c.369G>A on transcript NM_002474.3 (MANE Select); coding-DNA position 369, G replaced by A.
Protein change: p.Val123=; no amino-acid change (valine 123 retained).
Molecular consequence: synonymous variant.
Genome position (GRCh38, 1-based): chr16:15,823,388, C>T on the plus strand (G>A on the coding strand, the complement: MYH11 is on the minus strand). VCF-style: chr16-15823388-C-T. GRCh37 (hg19) VCF-style: chr16-15917245-C-T.
Other names: c.369G>A, p.Val123= (NM_001040113.2, NM_001040114.2, NM_022844.3).
Identifiers: ClinVar variation 2966720 (VCV002966720.4), dbSNP rs1244058062, ClinGen allele CA493791741.

ClinVar aggregate classification (germline): Conflicting classifications of pathogenicity. Review status: criteria provided, conflicting classifications (1 of 4 stars). 2 submissions from 2 submitters: Uncertain significance (1); Likely benign (1). Last evaluated 2023-05-04.

Conditions:
Aortic aneurysm, familial thoracic 4 (AAT4). Also called: AORTIC ANEURYSM/AORTIC DISSECTION AND PATENT DUCTUS ARTERIOSUS. Identifiers: MedGen C1851504, MONDO:0007568, OMIM 132900.
Familial thoracic aortic aneurysm and aortic dissection (TAAD). Also called: Thoracic aortic aneurysms and dissections. Identifiers: Orphanet 91387, MedGen C4707243, MONDO:0019625.

Submissions (2):

All of Us Research Program, National Institutes of Health
Classification: Uncertain significance for Familial thoracic aortic aneurysm and aortic dissection. Last evaluated: 2023-05-04. Review status: criteria provided, single submitter. Criteria: ACMG Guidelines, 2015. Collection method: clinical testing. Allele origin: germline. Inheritance: Autosomal dominant inheritance. Observed: 1 variant allele, 1 heterozygote.
Comment: This variant is located in the MYH11 protein. To our knowledge, functional studies have not been reported for this variant. This variant has not been reported in individuals affected with MYH11-related disorders in the literature. This variant has not been identified in the general population by the Genome Aggregation Database (gnomAD). The available evidence is insufficient to determine the role of this variant in disease conclusively. Therefore, this variant is classified as a Variant of Uncertain Significance.

This study involves interpretation of variants in research participants for the purpose of population health screening. Participant phenotype was not available at the time of variant classification. Additional details can be found in publication PMID: 35346344, PMCID: PMC8962531

Labcorp Genetics (formerly Invitae), Labcorp
Classification: Likely benign for Aortic aneurysm, familial thoracic 4. Last evaluated: 2022-12-16. Review status: criteria provided, single submitter. Criteria: Invitae Variant Classification Sherloc (09022015). Collection method: clinical testing. Allele origin: germline.